The following is an entry in ClinVar:

NM_000540.3(RYR1):c.9172+4dup

Gene: RYR1 (ryanodine receptor 1; plus strand). Cytogenetic location: 19q13.2.
Variant type: Duplication.
Coding change: c.9172+4dup on transcript NM_000540.3 (MANE Select); 4 bases into the intron after coding-DNA position 9172, one base duplicated (A; older notation c.9172+4dupA).
Molecular consequence: intron variant.
Genome position (GRCh38, 1-based): chr19:38,511,614, A duplicated; the last of 2 consecutive A bases (chr19:38,511,613-38,511,614); duplicating either gives the same sequence. VCF-style (leftmost placement, unchanged base first): chr19-38511612-T-TA. GRCh37 (hg19) VCF-style: chr19-39002252-T-TA.
Other names: c.9172+4dup (NM_001042723.2).
Identifiers: ClinVar variation 4756136 (VCV004756136.1).

ClinVar aggregate classification (germline): Uncertain significance (1 of 4 stars; one submission).

Conditions:
Malignant hyperthermia, susceptibility to, 1 (MHS1). Also called: RYR1-Related Malignant Hyperthermia Susceptibility; Malignant hyperthermia suceptibility 1; Anesthesia related hyperthermia; Malignant hyperpyrexia; Fulminating hyperpyrexia; Pharmacogenic myopathy. Identifiers: Orphanet 423, MedGen C2930980, MONDO:0007783, OMIM 145600.

Submission:

Color Diagnostics, LLC DBA Color Health
Classification: Uncertain significance for Malignant hyperthermia, susceptibility to, 1. Last evaluated: 2025-08-11. Review status: criteria provided, single submitter. Criteria: ACMG Guidelines, 2015. Collection method: clinical testing. Allele origin: germline.
Comment: This variant causes the duplication of 1 nucleotide at the +4 position in intron 61 of the RYR1 gene. Splice site prediction tools suggest that this variant may impact RNA splicing. To our knowledge, RNA studies have not been reported for this variant. This variant has not been reported in individuals affected with RYR1-related disorders in the literature. This variant has not been identified in the general population by the Genome Aggregation Database (gnomAD). The available evidence is insufficient to determine the role of this variant in disease conclusively. Therefore, this variant is classified as a Variant of Uncertain Significance.